The following is an entry in ClinVar:

ClinVar aggregate classification (germline): Likely benign. Review status: criteria provided, single submitter (1 of 4 stars). 2 submissions from 2 submitters: Likely benign (1). 1 of the submissions does not count toward it. Last evaluated 2026-01-28.

Conditions:
Intellectual developmental disorder, X-linked 19. Also called: Intellectual disability, X-linked 19. Identifiers: Orphanet 777, MedGen C0796225, MONDO:0010447, OMIM 300844.
Coffin-Lowry syndrome (CLS). Also called: COFFIN-LOWRY SYNDROME, MILD; Mental retardation with osteocartilaginous abnormalities. Identifiers: Orphanet 192, MedGen C0265252, MONDO:0010561, OMIM 303600.
RPS6KA3-related disorder. Also called: RPS6KA3-related condition.

gnomAD v4.1: 8 of 1,191,475 alleles (0.00067%); highest among the groups gnomAD compares: African/African-American, 0.0071%; no homozygotes.

Submissions (2):

Labcorp Genetics (formerly Invitae), Labcorp
Classification: Likely benign for Coffin-Lowry syndrome; Intellectual developmental disorder, X-linked 19. Last evaluated: 2026-01-28. Review status: criteria provided, single submitter. Criteria: Invitae Variant Classification Sherloc (09022015). Collection method: clinical testing. Allele origin: germline.

PreventionGenetics, part of Exact Sciences
Classification: Likely benign for RPS6KA3-related condition. Last evaluated: 2022-05-19. Review status: no assertion criteria provided. Collection method: clinical testing. Allele origin: germline. Not counted in ClinVar's aggregate classification.
Comment: This variant is classified as likely benign based on ACMG/AMP sequence variant interpretation guidelines (Richards et al. 2015 PMID: 25741868, with internal and published modifications).

NM_004586.3(RPS6KA3):c.1026G>T (p.Pro342=)

Gene: RPS6KA3 (ribosomal protein S6 kinase A3; minus strand). Cytogenetic location: Xp22.12.
Variant type: single nucleotide variant.
Coding change: c.1026G>T on transcript NM_004586.3 (MANE Select); coding-DNA position 1026, G replaced by T.
Protein change: p.Pro342=; no amino-acid change (proline 342 retained).
Molecular consequence: synonymous variant.
Genome position (GRCh38, 1-based): chrX:20,176,326, C>A on the plus strand (G>T on the coding strand, the complement: RPS6KA3 is on the minus strand). VCF-style: chrX-20176326-C-A. GRCh37 (hg19) VCF-style: chrX-20194444-C-A.
Identifiers: ClinVar variation 3052329 (VCV003052329.3), dbSNP rs771686066, ClinGen allele CA327474915.
Genomic context (GRCh38, chrX:20,176,326, plus strand): 5'-AGTAAACTCAGGATCAAAATAGAATGTATCTTCAGGCCTGCCCGTTGCAGGTTTAAATGG[C>A]GGATGAATTTCTCTTCTATACAGTTTCTGGAGGGGAAAAAAAAAAGAGACTTAGACATAT-3'
Protein context (NP_004577.1, residues 332-352): WNKLYRREIH[Pro342=]PFKPATGRPE